The following is an entry in ClinVar:

NM_004304.5(ALK):c.4357G>A (p.Ala1453Thr)

Gene: ALK (ALK receptor tyrosine kinase; minus strand). Cytogenetic location: 2p23.2.
Variant type: single nucleotide variant.
Coding change: c.4357G>A on transcript NM_004304.5 (MANE Select); coding-DNA position 4357, G replaced by A.
Protein change: p.Ala1453Thr; replaces alanine 1453 with threonine.
Molecular consequence: missense variant.
Genome position (GRCh38, 1-based): chr2:29,193,730, C>T on the plus strand (G>A on the coding strand, the complement: ALK is on the minus strand). VCF-style: chr2-29193730-C-T. GRCh37 (hg19) VCF-style: chr2-29416596-C-T.
Other names: c.1153G>A, p.Ala385Thr (NM_001353765.2); short protein forms A1453T, A385T.
Identifiers: ClinVar variation 1019773 (VCV001019773.12), dbSNP rs752317227, ClinGen allele CA1593591.

ClinVar aggregate classification (germline): Uncertain significance. Review status: criteria provided, multiple submitters, no conflicts (2 of 4 stars). 2 submissions from 2 submitters: Uncertain significance (2). Last evaluated 2025-06-22.

Conditions:
Hereditary cancer-predisposing syndrome. Also called: Hereditary neoplastic syndrome; Neoplastic Syndromes, Hereditary; Tumor predisposition; Hereditary Cancer Syndrome. Identifiers: Orphanet 140162, MedGen C0027672, MeSH D009386, MONDO:0015356.
Neuroblastoma, susceptibility to, 3. Also called: ALK-Related Neuroblastic Tumor Susceptibility. Identifiers: Orphanet 635, MedGen C2751681, MONDO:0013083, OMIM 613014.

Allele frequency attached by ClinVar (database versions not stated): ExAC 0.00001; gnomAD 0.00001; gnomAD exomes 0.00001; TOPMed 0.00001.
gnomAD v4.1: 4 of 1,604,206 alleles (0.00025%); highest among the groups gnomAD compares: South Asian, 0.0011%; no homozygotes.

Submissions (2):

Labcorp Genetics (formerly Invitae), Labcorp
Classification: Uncertain significance for Neuroblastoma, susceptibility to, 3. Last evaluated: 2025-06-22. Review status: criteria provided, single submitter. Criteria: Invitae Variant Classification Sherloc (09022015). Collection method: clinical testing. Allele origin: germline.
Comment: This sequence change replaces alanine, which is neutral and non-polar, with threonine, which is neutral and polar, at codon 1453 of the ALK protein (p.Ala1453Thr). This variant is present in population databases (rs752317227, gnomAD 0.002%). This variant has not been reported in the literature in individuals affected with ALK-related conditions. ClinVar contains an entry for this variant (Variation ID: 1019773). An algorithm developed to predict the effect of missense changes on protein structure and function (PolyPhen-2) suggests that this variant is likely to be tolerated. In summary, the available evidence is currently insufficient to determine the role of this variant in disease. Therefore, it has been classified as a Variant of Uncertain Significance.

Ambry Genetics
Classification: Uncertain significance for Hereditary cancer-predisposing syndrome. Last evaluated: 2025-01-10. Review status: criteria provided, single submitter. Criteria: Ambry Variant Classification Scheme 2023. Collection method: clinical testing. Allele origin: germline.
Comment: The p.A1453T variant (also known as c.4357G>A), located in coding exon 29 of the ALK gene, results from a G to A substitution at nucleotide position 4357. The alanine at codon 1453 is replaced by threonine, an amino acid with similar properties. This amino acid position is conserved. In addition, this alteration is predicted to be tolerated by in silico analysis. Since supporting evidence is limited at this time, the clinical significance of this alteration remains unclear.